The following is an entry in ClinVar:

NM_000465.4(BARD1):c.708G>A (p.Lys236=)

Gene: BARD1 (BRCA1 associated RING domain 1; minus strand). Cytogenetic location: 2q35.
Variant type: single nucleotide variant.
Coding change: c.708G>A on transcript NM_000465.4 (MANE Select); coding-DNA position 708, G replaced by A.
Protein change: p.Lys236=; no amino-acid change (lysine 236 retained).
Molecular consequence: synonymous variant. On other transcripts: non-coding transcript variant (2), intron variant (3).
Genome position (GRCh38, 1-based): chr2:214,781,166, C>T on the plus strand (G>A on the coding strand, the complement: BARD1 is on the minus strand). VCF-style: chr2-214781166-C-T. GRCh37 (hg19) VCF-style: chr2-215645890-C-T.
Other names: c.651G>A, p.Lys217= (NM_001282543.2); c.158+28246G>A (NM_001282548.2); c.215+15895G>A (NM_001282545.2); c.364+11131G>A (NM_001282549.2).
Identifiers: ClinVar variation 479123 (VCV000479123.6), dbSNP rs1553622499, ClinGen allele CA431390957.

ClinVar aggregate classification (germline): Benign/Likely benign. Review status: criteria provided, multiple submitters, no conflicts (2 of 4 stars). 2 submissions from 2 submitters: Benign (1); Likely benign (1). Last evaluated 2024-07-22.

Conditions:
Hereditary cancer-predisposing syndrome. Also called: Neoplastic Syndromes, Hereditary; Hereditary Cancer Syndrome; Hereditary neoplastic syndrome; Tumor predisposition. Identifiers: Orphanet 140162, MedGen C0027672, MeSH D009386, MONDO:0015356.
Familial cancer of breast. Also called: BREAST CANCER, FAMILIAL; hereditary breast carcinoma; Hereditary breast cancer. Identifiers: Orphanet 227535, MedGen C0346153, MONDO:0016419, OMIM 114480. Disease mechanism: loss of function.

Submissions (2):

Myriad Genetics, Inc.
Classification: Benign for Familial cancer of breast. Last evaluated: 2024-07-22. Review status: criteria provided, single submitter. Criteria: Myriad Autosomal Dominant, Autosomal Recessive and X-Linked Classification Criteria (2023). Collection method: clinical testing. Allele origin: unknown.
Comment: This variant is considered benign. This variant is a silent/synonymous amino acid change and it is not expected to impact splicing.

Ambry Genetics
Classification: Likely benign for Hereditary cancer-predisposing syndrome. Last evaluated: 2016-01-14. Review status: criteria provided, single submitter. Criteria: Ambry Variant Classification Scheme 2023. Collection method: clinical testing. Allele origin: germline.